The following is an entry in ClinVar:

ClinVar aggregate classification (germline): Uncertain significance (1 of 4 stars; one submission).

Conditions:
FG syndrome 2 (FGS2). Identifiers: MedGen C1845902, MONDO:0010297, OMIM 300321.

Submission:

Neuberg Centre For Genomic Medicine, NCGM
Classification: Uncertain significance for FG syndrome 2. Review status: criteria provided, single submitter. Criteria: ACMG Guidelines, 2015. Collection method: clinical testing. Allele origin: germline. Inheritance: X-linked inheritance. Affected: yes.
Comment: The missense variant p.I806V in FLNA (NM_001456.4) has not been reported previously as a pathogenic variant nor as a benign variant, to our knowledge. The p.I806V variant is novel (not in any individuals) in gnomAD Exomes and is novel (not in any individuals) in 1000 Genomes. There is a small physicochemical difference between isoleucine and valine, which is not likely to impact secondary protein structure as these residues share similar properties. In silico tools predict the variant to be tolerated. The residue is conserved across species. The amino acid change p.Ile806Val in FLNA is predicted as conserved by GERP++ and PhyloP across 100 vertebrates. For these reasons, this variant has been classified as Uncertain Significance.

NM_001110556.2(FLNA):c.2416A>G (p.Ile806Val)

Gene: FLNA (filamin A; minus strand). Cytogenetic location: Xq28.
Variant type: single nucleotide variant.
Coding change: c.2416A>G on transcript NM_001110556.2 (MANE Select); coding-DNA position 2416, A replaced by G.
Protein change: p.Ile806Val; replaces isoleucine 806 with valine.
Molecular consequence: missense variant.
Genome position (GRCh38, 1-based): chrX:154,362,567, T>C on the plus strand (A>G on the coding strand, the complement: FLNA is on the minus strand). VCF-style: chrX-154362567-T-C. GRCh37 (hg19) VCF-style: chrX-153590935-T-C.
Other names: c.2416A>G, p.Ile806Val (NM_001456.4); short protein forms I806V.
Identifiers: ClinVar variation 2627969 (VCV002627969.1), dbSNP rs2522749131, ClinGen allele CA415236975.